The following is an entry in ClinVar:

ClinVar aggregate classification (germline): Uncertain significance (1 of 4 stars; one submission).

Submission:

GeneDx
Classification: Uncertain significance. Last evaluated: 2025-09-04. Review status: criteria provided, single submitter. Criteria: GeneDx Variant Classification Process June 2021. Collection method: clinical testing. Allele origin: germline. Affected: yes.
Comment: Not observed at significant frequency in large population cohorts (gnomAD); In silico analysis suggests that this missense variant does not alter protein structure/function; Has not been previously published as pathogenic or benign to our knowledge

NM_015330.6(SPECC1L):c.1694A>G (p.Tyr565Cys)

Genes: SPECC1L (sperm antigen with calponin homology and coiled-coil domains 1 like; plus strand), SPECC1L-ADORA2A (SPECC1L-ADORA2A readthrough (NMD candidate); plus strand). Cytogenetic location: 22q11.23.
Variant type: single nucleotide variant.
Coding change: c.1694A>G on transcript NM_015330.6 (MANE Select); coding-DNA position 1694, A replaced by G.
Protein change: p.Tyr565Cys; replaces tyrosine 565 with cysteine.
Molecular consequence: missense variant. On other transcripts: non-coding transcript variant (1).
Genome position (GRCh38, 1-based): chr22:24,322,674, A>G. VCF-style: chr22-24322674-A-G. GRCh37 (hg19) VCF-style: chr22-24718642-A-G.
Other names: c.1694A>G, p.Tyr565Cys (NM_001145468.4, NM_001254732.3); short protein forms Y565C.
Identifiers: ClinVar variation 4813267 (VCV004813267.1).
Genomic context (GRCh38, chr22:24,322,674, plus strand): 5'-AGCGAATTATTGAGTCTGAGCAGAAAGGAAAAGCAGCCTTGGCAGCCACGTTAGAGGAAT[A>G]CAAAGCCACAGTGGCCAGTGACCAGATAGAGATGAATCGCCTGAAGGCTCAGCTGGAGAA-3'
Protein context (NP_056145.5, residues 555-575): KAALAATLEE[Tyr565Cys]KATVASDQIE